The following is an entry in ClinVar:

ClinVar aggregate classification (germline): Pathogenic/Likely pathogenic. Review status: criteria provided, multiple submitters, no conflicts (2 of 4 stars). 6 submissions from 6 submitters: Pathogenic (3); Likely pathogenic (1). 2 of the submissions do not count toward it. Last evaluated 2026-01-23.

Conditions:
CPT1A-related disorders.
Carnitine palmitoyl transferase 1A deficiency. Also called: CPT I DEFICIENCY; CPT DEFICIENCY, HEPATIC, TYPE I; CPT deficiency, hepatic, type IA; Carnitine palmitoyltransferase type I deficiency; Carnitine palmitoyltransferase 1A deficiency. Identifiers: Orphanet 156, MedGen C1829703, MONDO:0009705, OMIM 255120.

Allele frequency attached by ClinVar (database versions not stated): ExAC 0.00002; gnomAD exomes 0.00002 and 0.00004; TOPMed 0.00003; gnomAD 0.00005; ESP Exome Variant Server 0.00008.
gnomAD v4.1: 38 of 1,608,180 alleles (0.0024%); highest among the groups gnomAD compares: Non-Finnish European, 0.00051%; no homozygotes.

Submissions (6):

Labcorp Genetics (formerly Invitae), Labcorp
Classification: Pathogenic for Carnitine palmitoyl transferase 1A deficiency. Last evaluated: 2026-01-23. Review status: criteria provided, single submitter. Criteria: Invitae Variant Classification Sherloc (09022015). Collection method: clinical testing. Allele origin: germline.
Comment: This sequence change affects a donor splice site in intron 10 of the CPT1A gene. It is expected to disrupt RNA splicing. Variants that disrupt the donor or acceptor splice site typically lead to a loss of protein function (PMID: 16199547), and loss-of-function variants in CPT1A are known to be pathogenic (PMID: 16169268). This variant is present in population databases (rs148059333, gnomAD 0.09%). Disruption of this splice site has been observed in individuals with carnitine palmitoyltransferase 1A deficiency (PMID: 27066452; internal data). ClinVar contains an entry for this variant (Variation ID: 371246). Algorithms developed to predict the effect of sequence changes on RNA splicing suggest that this variant may disrupt the consensus splice site. For these reasons, this variant has been classified as Pathogenic.

Blueprint Genetics
Classification: Pathogenic for CPT1A-related disorders. Last evaluated: 2024-05-07. Review status: criteria provided, single submitter. Criteria: ACMG Guidelines, 2015. Collection method: clinical testing. Allele origin: germline. Affected: yes. Observed: 1 variant allele.

Fulgent Genetics
Classification: Likely pathogenic for Carnitine palmitoyl transferase 1A deficiency. Last evaluated: 2024-04-03. Review status: criteria provided, single submitter. Criteria: ACMG Guidelines, 2015. Collection method: clinical testing. Allele origin: germline.

Laboratory for Molecular Medicine, Mass General Brigham Personalized Medicine
Classification: Pathogenic for Carnitine palmitoyl transferase 1 deficiency. Last evaluated: 2017-08-07. Review status: criteria provided, single submitter. Criteria: LMM Criteria. Collection method: clinical testing. Allele origin: germline. Inheritance: Autosomal recessive inheritance. Observed: 1 variant allele.
Comment: The c.1163+1G>A (NM_001876.3 c.1163+1G>A) variant in CPT1A has been reported in a compound heterozygous individual with carnitine palmitoyltransferase I (CPT I) deficiency (Choi 2016).This variant has been identified in 0.092% (9/9,828) of Ashkenazi Jewish chromosomes by the Genome Aggregation Database (gnomAD; dbSNP rs148059333). Although this variant has been se en in the general population, its frequency is low enough to be consistent with a recessive carrier frequency. This variant occurs in the invariant region (+/- 1,2) of the splice consensus sequence and is predicted to cause altered splicing leading to an abnormal or absent protein. Biallelic loss of function of the CPT 1A gene is associated with CPT I deficiency. In summary, the c.1163+1G>A variant meets our criteria to be classified as pathogenic for CPT I deficiency in an au tosomal recessive manner based upon its predicted null effect and occurrence in an affected individual.

Natera, Inc.
Classification: Pathogenic for Carnitine palmitoyltransferase type I deficiency. Last evaluated: 2020-09-16. Review status: no assertion criteria provided. Collection method: clinical testing. Allele origin: germline. Not counted in ClinVar's aggregate classification.

Counsyl
Classification: Likely pathogenic for Carnitine palmitoyl transferase 1A deficiency. Last evaluated: 2016-08-04. Review status: no assertion criteria provided. Collection method: clinical testing. Allele origin: unknown. Not counted in ClinVar's aggregate classification.

Literature cited by the submitters: PubMed 16199547 (cited by Labcorp Genetics (formerly Invitae), Labcorp); PubMed 16169268 (cited by Labcorp Genetics (formerly Invitae), Labcorp); PubMed 27066452 (cited by 3 submitters).

NM_001876.4(CPT1A):c.1163+1G>A

Gene: CPT1A (carnitine palmitoyltransferase 1A; minus strand). Cytogenetic location: 11q13.3.
Variant type: single nucleotide variant.
Coding change: c.1163+1G>A on transcript NM_001876.4 (MANE Select); the canonical splice donor site of the intron after coding-DNA position 1163, G replaced by A.
Molecular consequence: splice donor variant.
Genome position (GRCh38, 1-based): chr11:68,784,814, C>T on the plus strand (G>A on the coding strand, the complement: CPT1A is on the minus strand). VCF-style: chr11-68784814-C-T. GRCh37 (hg19) VCF-style: chr11-68552282-C-T.
Other names: c.1163+1G>A (NM_001031847.3).
Identifiers: ClinVar variation 371246 (VCV000371246.24), dbSNP rs148059333, ClinGen allele CA6152404.